The following is an entry in ClinVar:

ClinVar aggregate classification (germline): Uncertain significance. Review status: criteria provided, single submitter (1 of 4 stars). 2 submissions from 2 submitters: Uncertain significance (1). 1 of the submissions does not count toward it. Last evaluated 2021-11-13.

Conditions:
Anauxetic dysplasia. Identifiers: Orphanet 93347, MedGen C1846796, MONDO:0011773.
Metaphyseal chondrodysplasia, McKusick type (CHH). Also called: Cartilage-Hair Hypoplasia (CHH); Cartilage-hair hypoplasia. Identifiers: Orphanet 175, MedGen C0220748, MONDO:0009595, OMIM 250250.

Allele frequency attached by ClinVar (database versions not stated): gnomAD 0.00001; TOPMed 0.00001.
gnomAD v4.1: 4 of 696,630 alleles (0.00057%); highest among the groups gnomAD compares: Non-Finnish European, 0.001%; no homozygotes.

Submissions (2):

Labcorp Genetics (formerly Invitae), Labcorp
Classification: Uncertain significance for Anauxetic dysplasia. Last evaluated: 2021-11-13. Review status: criteria provided, single submitter. Criteria: Invitae Variant Classification Sherloc (09022015). Collection method: clinical testing. Allele origin: germline.
Comment: This variant occurs in the RMRP gene, which encodes an RNA molecule that does not result in a protein product. This variant is not present in population databases (gnomAD no frequency). This variant has been observed in individual(s) with cartilage hair hypoplasia (PMID: 21570718). This variant is also known as g.18G>C. ClinVar contains an entry for this variant (Variation ID: 639851). Experimental studies and prediction algorithms are not available or were not evaluated, and the functional significance of this variant is currently unknown. In summary, the available evidence is currently insufficient to determine the role of this variant in disease. Therefore, it has been classified as a Variant of Uncertain Significance.

Natera, Inc.
Classification: Uncertain significance for Cartilage-hair hypoplasia. Last evaluated: 2021-03-19. Review status: no assertion criteria provided. Collection method: clinical testing. Allele origin: germline. Not counted in ClinVar's aggregate classification.

Literature cited by the submitters: PubMed 21570718 (cited by Labcorp Genetics (formerly Invitae), Labcorp).

NR_003051.4(RMRP):n.20G>C

Gene: RMRP (RNA component of mitochondrial RNA processing endoribonuclease; minus strand). Cytogenetic location: 9p13.3.
Variant type: single nucleotide variant.
Genome position: GRCh38 VCF-style: chr9-35658000-C-G. GRCh37 (hg19) VCF-style: chr9-35657997-C-G.
Identifiers: ClinVar variation 639851 (VCV000639851.5), dbSNP rs910861550, ClinGen allele CA192745719.
Genomic context (GRCh38, chr9:35,658,000, plus strand): 5'-GGGGACTTTCCCCTAGGCGGAAAGGGGAGGAACAGAGTCCTCAGTGTGTAGCCTAGGATA[C>G]AGGCCTTCAGCACGAACCACGTCCTCAGCTTCACAGAGTAGTATTTTATAGCCCTAAAGA-3'